The following is an entry in ClinVar:

ClinVar aggregate classification (germline): Uncertain significance. Review status: criteria provided, multiple submitters, no conflicts (2 of 4 stars). 2 submissions from 2 submitters: Uncertain significance (2). Last evaluated 2025-06-03.

Conditions:
Inborn genetic diseases. Identifiers: MedGen C0950123, MeSH D030342.
Joubert syndrome 18 (JBTS18). Identifiers: Orphanet 2754, MedGen C3553758, MONDO:0013896, OMIM 614815.
Orofacial-digital syndrome IV (OFD4). Also called: BARAITSER-BURN SYNDROME; MOHR-MAJEWSKI SYNDROME; OFD SYNDROME WITH TIBIAL DEFECTS; OFD SYNDROME, BARAITSER-BURN TYPE; OFDS IV; ORAL-FACIAL-DIGITAL SYNDROME, TYPE IV. Identifiers: Orphanet 2753, MedGen C0406727, MONDO:0009794, OMIM 258860.

Allele frequency attached by ClinVar (database versions not stated): gnomAD exomes below 0.00001.
gnomAD v4.1: 3 of 1,614,086 alleles (0.00019%); highest among the groups gnomAD compares: Non-Finnish European, 0.00025%; no homozygotes.

Submissions (2):

Ambry Genetics
Classification: Uncertain significance for Inborn genetic diseases. Last evaluated: 2025-06-03. Review status: criteria provided, single submitter. Criteria: Ambry Variant Classification Scheme 2023. Collection method: clinical testing. Allele origin: germline.

Labcorp Genetics (formerly Invitae), Labcorp
Classification: Uncertain significance for Joubert syndrome 18; Orofacial-digital syndrome IV. Last evaluated: 2022-06-20. Review status: criteria provided, single submitter. Criteria: Invitae Variant Classification Sherloc (09022015). Collection method: clinical testing. Allele origin: germline.
Comment: This variant is not present in population databases (gnomAD no frequency). In summary, the available evidence is currently insufficient to determine the role of this variant in disease. Therefore, it has been classified as a Variant of Uncertain Significance. Algorithms developed to predict the effect of missense changes on protein structure and function (SIFT, PolyPhen-2, Align-GVGD) all suggest that this variant is likely to be disruptive. This variant has not been reported in the literature in individuals affected with TCTN3-related conditions. This sequence change replaces cysteine, which is neutral and slightly polar, with tyrosine, which is neutral and polar, at codon 413 of the TCTN3 protein (p.Cys413Tyr).

NM_015631.6(TCTN3):c.1238G>A (p.Cys413Tyr)

Gene: TCTN3 (tectonic family member 3; minus strand). Cytogenetic location: 10q24.1.
Variant type: single nucleotide variant.
Coding change: c.1238G>A on transcript NM_015631.6 (MANE Select); coding-DNA position 1238, G replaced by A.
Protein change: p.Cys413Tyr; replaces cysteine 413 with tyrosine.
Molecular consequence: missense variant.
Genome position (GRCh38, 1-based): chr10:95,683,161, C>T on the plus strand (G>A on the coding strand, the complement: TCTN3 is on the minus strand). VCF-style: chr10-95683161-C-T. GRCh37 (hg19) VCF-style: chr10-97442918-C-T.
Other names: c.794G>A, p.Cys265Tyr (NM_001143973.2); c.1238G>A (NM_015631.5); short protein forms C265Y, C413Y.
Identifiers: ClinVar variation 1363713 (VCV001363713.9), dbSNP rs2139738439, ClinGen allele CA377703601.